The following is an entry in ClinVar:

ClinVar aggregate classification (germline): Pathogenic. Review status: criteria provided, multiple submitters, no conflicts (2 of 4 stars). 6 submissions from 6 submitters: Pathogenic (3). 3 of the submissions do not count toward it. Last evaluated 2025-09-01.

Conditions:
Frontotemporal dementia (FTD1). Also called: WILHELMSEN-LYNCH DISEASE; Frontotemporal lobe dementia (FLDEM); Dementia, frontotemporal, with or without parkinsonism; Frontotemporal Dementia with Parkinsonism-17 (FTDP-17); FRONTOTEMPORAL DEMENTIA WITH PARKINSONISM; FRONTOTEMPORAL LOBE DEMENTIA. Identifiers: Orphanet 282, MedGen C0338451, MONDO:0017276, OMIM 600274, HP:0002145.
Alzheimer disease 3 (AD3). Also called: ALZHEIMER DISEASE, FAMILIAL, 3. Identifiers: Orphanet 1020, MedGen C1843013, MONDO:0011913, OMIM 607822.
Acne inversa, familial, 3 (ACNINV3). Identifiers: MedGen C3151038, MONDO:0013398, OMIM 613737.
Pick disease. Also called: Pick Disease of the Brain; Pick's disease; LOBAR ATROPHY OF BRAIN; PICK DISEASE OF BRAIN; DEMENTIA WITH LOBAR ATROPHY AND NEURONAL CYTOPLASMIC INCLUSIONS. Identifiers: Orphanet 282, MedGen C0236642, MONDO:0008243, OMIM 172700.

gnomAD v4.1: 1 of 1,613,396 alleles (0.000062%); highest among the groups gnomAD compares: Non-Finnish European, 0.000085%; no homozygotes.

Submissions (6):

Labcorp Genetics (formerly Invitae), Labcorp
Classification: Pathogenic for Alzheimer disease 3; Pick disease; Acne inversa, familial, 3; Frontotemporal dementia. Last evaluated: 2025-09-01. Review status: criteria provided, single submitter. Criteria: Invitae Variant Classification Sherloc (09022015). Collection method: clinical testing. Allele origin: germline.
Comment: This sequence change replaces alanine, which is neutral and non-polar, with glutamic acid, which is acidic and polar, at codon 246 of the PSEN1 protein (p.Ala246Glu). This variant is not present in population databases (gnomAD no frequency). This missense change has been observed in individuals with early onset Alzheimer’s disease (AD) and early onset AD (PMID: 7596406, 25174650; internal data). It has also been observed to segregate with disease in related individuals. ClinVar contains an entry for this variant (Variation ID: 18125). Invitae Evidence Modeling of protein sequence and biophysical properties (such as structural, functional, and spatial information, amino acid conservation, physicochemical variation, residue mobility, and thermodynamic stability) indicates that this missense variant is expected to disrupt PSEN1 protein function with a positive predictive value of 95%. Experimental studies have shown that this missense change affects PSEN1 function (PMID: 9680315, 12493631, 24418614). For these reasons, this variant has been classified as Pathogenic.

Victorian Clinical Genetics Services, Murdoch Childrens Research Institute
Classification: Pathogenic for Alzheimer disease 3. Last evaluated: 2024-10-09. Review status: criteria provided, single submitter. Criteria: ACMG Guidelines, 2015. Collection method: clinical testing. Allele origin: germline. Inheritance: Autosomal dominant inheritance. Affected: yes.
Comment: Based on the classification scheme VCGS_Germline_v1.3.4, this variant is classified as Pathogenic. Following criteria are met: 0104 - Dominant negative is a likely mechanism of disease in this gene and is associated with Alzheimer disease (PMIDs: 27930341, 28082723, 29142009). (I) 0107 - This gene is associated with autosomal dominant disease. (I) 0200 - Variant is predicted to result in a missense amino acid change from alanine to glutamic acid. (I) 0251 - This variant is heterozygous. (I) 0301 - Variant is absent from gnomAD (both v2 and v3). (SP) 0309 - An alternative amino acid change at the same position has been observed in gnomAD (v3) (1 heterozygote, 0 homozygotes). (I) 0501 - Missense variant consistently predicted to be damaging by multiple in silico tools or highly conserved with a major amino acid change. (SP) 0600 - Variant is located in the annotated presenilin domain (DECIPHER). (I) 0801 - This variant has strong previous evidence of pathogenicity in unrelated individuals. It has been reported as pathogenic by two clinical laboratories (ClinVar) and has been reported in multiple individuals affected with familial Alzheimer disease (PMIDs: 7596406, 35847683, 33413468). (SP) 1001 - This variant has strong functional evidence supporting abnormal protein function. The variant has been shown to elevate lysosomal pH in human fibroblasts, resulting in reduced protein autophagy and upregulated explression of genes and proteins linked to lysosomal pH (PMID: 24418614). In addition, transgenic mice models have shown elevated concentrations of A-beta protein in the absence of plaque formation, resulting in disinhibition, psychomotor slowing, and loss of motor skills (PMID: 12493631). (SP) 1208 - Inheritance information for this variant is not currently available in this individual. (I) Legend: (SP) - Supporting pathogenic, (I) - Information, (SB) - Supporting benign

Athena Diagnostics
Classification: Pathogenic. Last evaluated: 2022-08-29. Review status: criteria provided, single submitter. Criteria: Athena Diagnostics Criteria. Collection method: clinical testing. Allele origin: unknown.
Comment: This variant has been identified in multiple unrelated individuals with clinical features of Alzheimer disease. This variant has not been reported in large, multi-ethnic general populations. Assessment of experimental evidence suggests this variant results in abnormal protein function. In vivo and in vitro studies showed this variant enhanced secretion of amyloid b protein-42 (Ab42) resulting in impairment (PMID: 10327206, 12493631, 25027006, 27930341).

Solve-RD Consortium
Classification: Likely pathogenic for Alzheimer disease 3. Last evaluated: 2022-06-01. Review status: no assertion criteria provided. Collection method: provider interpretation. Allele origin: inherited. Affected: yes. Not counted in ClinVar's aggregate classification.
Comment: Variant confirmed as disease-causing by referring clinical team

Variant identified during reanalysis of unsolved cases by the Solve-RD project. The Solve-RD project has received funding from the European Union’s Horizon 2020 research and innovation programme under grant agreement No 779257.

OMIM
Classification: Pathogenic for ALZHEIMER DISEASE, FAMILIAL, 3. Last evaluated: 1995-06-29. Review status: no assertion criteria provided. Collection method: literature only. Allele origin: germline. Not counted in ClinVar's aggregate classification.

VIB  Department of Molecular Genetics, University of Antwerp
No classification provided. Review status: no classification provided. Collection method: not provided. Allele origin: unknown. Not counted in ClinVar's aggregate classification.

Literature cited by the submitters: PubMed 7596406 (cited by 4 submitters); PubMed 25174650 (cited by Labcorp Genetics (formerly Invitae), Labcorp and Athena Diagnostics); PubMed 9680315 (cited by Labcorp Genetics (formerly Invitae), Labcorp); PubMed 12493631 (cited by 3 submitters); PubMed 24418614 (cited by 3 submitters); PubMed 27930341 (cited by Victorian Clinical Genetics Services, Murdoch Childrens Research Institute and Athena Diagnostics); PubMed 28082723 (cited by Victorian Clinical Genetics Services, Murdoch Childrens Research Institute); PubMed 29142009 (cited by Victorian Clinical Genetics Services, Murdoch Childrens Research Institute); PubMed 33413468 (cited by Victorian Clinical Genetics Services, Murdoch Childrens Research Institute); PubMed 35847683 (cited by Victorian Clinical Genetics Services, Murdoch Childrens Research Institute); PubMed 15119739 (cited by Athena Diagnostics); PubMed 19776335 (cited by Athena Diagnostics); PubMed 10327206 (cited by Athena Diagnostics); PubMed 25027006 (cited by Athena Diagnostics); PubMed 25239621 (cited by Athena Diagnostics); PubMed 17431506 (cited by Athena Diagnostics); PubMed 21919498 (cited by Athena Diagnostics); PubMed 26756738 (cited by Athena Diagnostics); PubMed 30138848 (cited by Athena Diagnostics); PubMed 27926491 (cited by Athena Diagnostics); PubMed 20205669 (cited by Athena Diagnostics); PubMed 20484632 (cited by Athena Diagnostics); PubMed 39825153 (cited by Solve-RD Consortium).

NM_000021.4(PSEN1):c.737C>A (p.Ala246Glu)

Gene: PSEN1 (presenilin 1; plus strand). Cytogenetic location: 14q24.2.
Variant type: single nucleotide variant.
Coding change: c.737C>A on transcript NM_000021.4 (MANE Select); coding-DNA position 737, C replaced by A.
Protein change: p.Ala246Glu; replaces alanine 246 with glutamic acid.
Molecular consequence: missense variant.
Genome position (GRCh38, 1-based): chr14:73,192,832, C>A. VCF-style: chr14-73192832-C-A. GRCh37 (hg19) VCF-style: chr14-73659540-C-A.
Other names: c.725C>A, p.Ala242Glu (NM_007318.3); short protein forms A246E, A242E.
Identifiers: ClinVar variation 18125 (VCV000018125.12), dbSNP rs63750526, ClinGen allele CA225104.